The following is an entry in ClinVar:

NM_006306.4(SMC1A):c.887C>G (p.Pro296Arg)

Gene: SMC1A (structural maintenance of chromosomes 1A; minus strand). Cytogenetic location: Xp11.22.
Variant type: single nucleotide variant.
Coding change: c.887C>G on transcript NM_006306.4 (MANE Select); coding-DNA position 887, C replaced by G.
Protein change: p.Pro296Arg; replaces proline 296 with arginine.
Molecular consequence: missense variant.
Genome position (GRCh38, 1-based): chrX:53,412,221, G>C on the plus strand (C>G on the coding strand, the complement: SMC1A is on the minus strand). VCF-style: chrX-53412221-G-C. GRCh37 (hg19) VCF-style: chrX-53439171-G-C.
Other names: c.821C>G, p.Pro274Arg (NM_001281463.1); short protein forms P274R, P296R.
Identifiers: ClinVar variation 3659769 (VCV003659769.2).
Genomic context (GRCh38, chrX:53,412,221, plus strand): 5'-TTGGCTGCTTCCAGCTTCTTGATTTTGTGGGAGGTGTTCTCCTTGGCTTTGATGTACTGA[G>C]GCCGCTTCTGGTTCAATTCTGAGTCCTTCTCCCTTTTGCCAGAGGGGTGGGGGAAACCAG-3'
Protein context (NP_006297.2, residues 286-306): EKDSELNQKR[Pro296Arg]QYIKAKENTS

ClinVar aggregate classification (germline): Uncertain significance (1 of 4 stars; one submission).

Conditions:
Congenital muscular hypertrophy-cerebral syndrome (CDLS2). Also called: SMC1A-Related Cornelia de Lange Syndrome; Cornelia de Lange syndrome 2. Identifiers: Orphanet 199, MedGen C1802395, MONDO:0010370, OMIM 300590.

Submission:

Labcorp Genetics (formerly Invitae), Labcorp
Classification: Uncertain significance for Congenital muscular hypertrophy-cerebral syndrome. Last evaluated: 2024-07-17. Review status: criteria provided, single submitter. Criteria: Invitae Variant Classification Sherloc (09022015). Collection method: clinical testing. Allele origin: germline.
Comment: This sequence change replaces proline, which is neutral and non-polar, with arginine, which is basic and polar, at codon 296 of the SMC1A protein (p.Pro296Arg). This variant is not present in population databases (gnomAD no frequency). This variant has not been reported in the literature in individuals affected with SMC1A-related conditions. Advanced modeling of protein sequence and biophysical properties (such as structural, functional, and spatial information, amino acid conservation, physicochemical variation, residue mobility, and thermodynamic stability) performed at Invitae indicates that this missense variant is expected to disrupt SMC1A protein function with a positive predictive value of 80%. In summary, the available evidence is currently insufficient to determine the role of this variant in disease. Therefore, it has been classified as a Variant of Uncertain Significance.